The following is an entry in ClinVar:

NM_198525.3(KIF7):c.2689G>C (p.Gly897Arg)

Gene: KIF7 (kinesin family member 7; minus strand). Cytogenetic location: 15q26.1.
Variant type: single nucleotide variant.
Coding change: c.2689G>C on transcript NM_198525.3 (MANE Select); coding-DNA position 2689, G replaced by C.
Protein change: p.Gly897Arg; replaces glycine 897 with arginine.
Molecular consequence: missense variant.
Genome position (GRCh38, 1-based): chr15:89,633,170, C>G on the plus strand (G>C on the coding strand, the complement: KIF7 is on the minus strand). VCF-style: chr15-89633170-C-G. GRCh37 (hg19) VCF-style: chr15-90176401-C-G.
Other names: c.2689G>C (NM_198525.2); short protein forms G897R.
Identifiers: ClinVar variation 1395507 (VCV001395507.9), dbSNP rs149548398, ClinGen allele CA393758518.

ClinVar aggregate classification (germline): Uncertain significance. Review status: criteria provided, multiple submitters, no conflicts (2 of 4 stars). 3 submissions from 3 submitters: Uncertain significance (3). Last evaluated 2024-07-30.

Conditions:
Inborn genetic diseases. Identifiers: MedGen C0950123, MeSH D030342.
Acrocallosal syndrome (ACLS). Also called: Schinzel syndrome 1; Absence of corpus callosum with unusual facial appearance, mental deficiency, duplication of the halluces and polydactyly; HALLUX DUPLICATION, POSTAXIAL POLYDACTYLY, AND ABSENCE OF CORPUS CALLOSUM. Identifiers: Orphanet 36, MedGen C0796147, MONDO:0008708, OMIM 200990.
Multiple epiphyseal dysplasia, Al-Gazali type. Also called: Macrocephaly with multiple epiphyseal dysplasia and distinctive facies. Identifiers: Orphanet 166024, MedGen C1846722, MONDO:0011778, OMIM 607131.
Hydrolethalus syndrome 2 (HLS2). Identifiers: Orphanet 2189, MedGen C3279899, MONDO:0013585, OMIM 614120.

gnomAD v4.1: 5 of 1,604,014 alleles (0.00031%); highest among the groups gnomAD compares: Non-Finnish European, 0.00042%; no homozygotes.

Submissions (3):

Ambry Genetics
Classification: Uncertain significance for Inborn genetic diseases. Last evaluated: 2024-07-30. Review status: criteria provided, single submitter. Criteria: Ambry Variant Classification Scheme 2023. Collection method: clinical testing. Allele origin: germline.

Labcorp Genetics (formerly Invitae), Labcorp
Classification: Uncertain significance for Acrocallosal syndrome. Last evaluated: 2024-02-23. Review status: criteria provided, single submitter. Criteria: Invitae Variant Classification Sherloc (09022015). Collection method: clinical testing. Allele origin: germline.
Comment: This sequence change replaces glycine, which is neutral and non-polar, with arginine, which is basic and polar, at codon 897 of the KIF7 protein (p.Gly897Arg). This variant is present in population databases (no rsID available, gnomAD 0.0009%). This variant has not been reported in the literature in individuals affected with KIF7-related conditions. ClinVar contains an entry for this variant (Variation ID: 1395507). Advanced modeling of protein sequence and biophysical properties (such as structural, functional, and spatial information, amino acid conservation, physicochemical variation, residue mobility, and thermodynamic stability) performed at Invitae indicates that this missense variant is not expected to disrupt KIF7 protein function with a negative predictive value of 80%. In summary, the available evidence is currently insufficient to determine the role of this variant in disease. Therefore, it has been classified as a Variant of Uncertain Significance.

Fulgent Genetics
Classification: Uncertain significance for Acrocallosal syndrome; Multiple epiphyseal dysplasia, Al-Gazali type; Hydrolethalus syndrome 2. Last evaluated: 2024-01-11. Review status: criteria provided, single submitter. Criteria: ACMG Guidelines, 2015. Collection method: clinical testing. Allele origin: germline.